The following is an entry in ClinVar:

ClinVar aggregate classification (germline): Uncertain significance. Review status: criteria provided, multiple submitters, no conflicts (2 of 4 stars). 3 submissions from 3 submitters: Uncertain significance (3). Last evaluated 2025-10-08.

Conditions:
Inborn genetic diseases. Identifiers: MedGen C0950123, MeSH D030342.

Allele frequency attached by ClinVar (database versions not stated): TOPMed 0.00004; gnomAD 0.00006; gnomAD exomes 0.00007.
gnomAD v4.1: 87 of 1,238,032 alleles (0.007%); highest among the groups gnomAD compares: Middle Eastern, 0.056%; no homozygotes.

Submissions (3):

Labcorp Genetics (formerly Invitae), Labcorp
Classification: Uncertain significance. Last evaluated: 2025-10-08. Review status: criteria provided, single submitter. Criteria: Invitae Variant Classification Sherloc (09022015). Collection method: clinical testing. Allele origin: germline.
Comment: This sequence change replaces alanine, which is neutral and non-polar, with valine, which is neutral and non-polar, at codon 101 of the SLC12A2 protein (p.Ala101Val). The frequency data for this variant in the population databases is considered unreliable, as metrics indicate poor data quality at this position in the gnomAD database. This variant has not been reported in the literature in individuals affected with SLC12A2-related conditions. ClinVar contains an entry for this variant (Variation ID: 2139684). Invitae Evidence Modeling of protein sequence and biophysical properties (such as structural, functional, and spatial information, amino acid conservation, physicochemical variation, residue mobility, and thermodynamic stability) indicates that this missense variant is not expected to disrupt SLC12A2 protein function with a negative predictive value of 95%. In summary, the available evidence is currently insufficient to determine the role of this variant in disease. Therefore, it has been classified as a Variant of Uncertain Significance.

GeneDx
Classification: Uncertain significance. Last evaluated: 2025-05-18. Review status: criteria provided, single submitter. Criteria: GeneDx Variant Classification Process June 2021. Collection method: clinical testing. Allele origin: germline. Affected: yes.
Comment: In silico analysis suggests that this missense variant does not alter protein structure/function; Has not been previously published as pathogenic or benign to our knowledge

Ambry Genetics
Classification: Uncertain significance for Inborn genetic diseases. Last evaluated: 2024-12-30. Review status: criteria provided, single submitter. Criteria: Ambry Variant Classification Scheme 2023. Collection method: clinical testing. Allele origin: germline.

NM_001046.3(SLC12A2):c.302C>T (p.Ala101Val)

Genes: SLC12A2 (solute carrier family 12 member 2; plus strand), LOC129994526 (ATAC-STARR-seq lymphoblastoid silent region 16295; plus strand). Cytogenetic location: 5q23.3.
Variant type: single nucleotide variant.
Coding change: c.302C>T on transcript NM_001046.3 (MANE Select); coding-DNA position 302, C replaced by T.
Protein change: p.Ala101Val; replaces alanine 101 with valine.
Molecular consequence: missense variant. On other transcripts: non-coding transcript variant (1).
Genome position (GRCh38, 1-based): chr5:128,084,256, C>T. VCF-style: chr5-128084256-C-T. GRCh37 (hg19) VCF-style: chr5-127419948-C-T.
Other names: c.302C>T, p.Ala101Val (NM_001256461.2); c.302C>T (NM_001046.2); short protein forms A101V.
Identifiers: ClinVar variation 2139684 (VCV002139684.6), dbSNP rs749472667, ClinGen allele CA3392767.